The following is an entry in ClinVar:

ClinVar aggregate classification (germline): Pathogenic (1 of 4 stars; one submission).

Conditions:
Intellectual disability, CASK-related, X-linked. Identifiers: MedGen CN043158.

Submission:

Labcorp Genetics (formerly Invitae), Labcorp
Classification: Pathogenic for Intellectual disability, CASK-related, X-linked. Last evaluated: 2022-10-02. Review status: criteria provided, single submitter. Criteria: Invitae Variant Classification Sherloc (09022015). Collection method: clinical testing. Allele origin: germline.
Comment: For these reasons, this variant has been classified as Pathogenic. This variant has not been reported in the literature in individuals affected with CASK-related conditions. This variant is a gross deletion of the genomic region encompassing exon(s) 16-21 of the CASK gene. This deletion is out-of-frame, and is expected to create a premature termination codon and result in an absent or disrupted protein product. Loss-of-function variants in CASK are known to be pathogenic (PMID: 19165920, 20029458, 21954287, 22452838, 22709267).

Literature cited by the submitters: PubMed 19165920; PubMed 20029458; PubMed 21954287; PubMed 22452838; PubMed 22709267.

NC_000023.10:g.(?_41412952)_(41429019_?)del

Gene: CASK (calcium/calmodulin dependent serine protein kinase; minus strand). Cytogenetic location: Xp11.4.
Variant type: Deletion.
Identifiers: ClinVar variation 2424726 (VCV002424726.4).